The following is an entry in ClinVar:

NM_032382.5(COG8):c.1033_1034del (p.Leu345fs)

Gene: COG8 (component of oligomeric golgi complex 8; minus strand). Cytogenetic location: 16q22.1.
Variant type: Microsatellite.
Coding change: c.1033_1034del on transcript NM_032382.5 (MANE Select); coding-DNA positions 1033 to 1034, 2 bases deleted (CT; older notation c.1033_1034delCT).
Protein change: p.Leu345fs; shifts the reading frame from leucine 345.
Molecular consequence: frameshift variant.
Genome position (GRCh38, 1-based): chr16:69,334,900-69,334,901, AG deleted on the plus strand (CT on the coding strand, the reverse complement: COG8 is on the minus strand); deleting any 2 consecutive bases within chr16:69,334,900-69,334,905 gives the same sequence; the c. name uses the placement nearest the transcript's 3' end. VCF-style (leftmost placement, unchanged base first): chr16-69334899-CAG-C. GRCh37 (hg19) VCF-style: chr16-69368802-CAG-C.
Other names: c.1033_1034del, p.Leu345fs (NM_001374871.1, NM_001379261.1, NM_001379262.1 and 4 more transcripts); short protein forms L345fs.
Identifiers: ClinVar variation 3903164 (VCV003903164.2).
Genomic context (GRCh38, chr16:69,334,899, plus strand): 5'-ACCCCGGAAATCAGCTCCCACCCGGCTGAAGGACAGCCCAAAGTACATGCACTGGCCCAG[CAG>C]AGAGTCCAGGTGGCCGCCTATGCCCCGGTAAAGGTCGGTCTCCAGCACCTGCAGGAATTG-3'

ClinVar aggregate classification (germline): Likely pathogenic (1 of 4 stars; one submission).

Submission:

GeneDx
Classification: Likely pathogenic. Last evaluated: 2026-08-04. Review status: criteria provided, single submitter. Criteria: GeneDx Variant Classification Process June 2021. Collection method: clinical testing. Allele origin: germline.
Comment: Reported along with a second variant in the COG8 gene in a patient with a congenital disorder of glycosylation in the published literature; however, segregation information was not provided (PMID: 23806237); Frameshift variant predicted to result in protein truncation or nonsense mediated decay in a gene for which loss of function is a known mechanism of disease; Not observed at significant frequency in large population cohorts (gnomAD); This variant is associated with the following publications: (PMID: 23806237)